The following is an entry in ClinVar:

NM_182914.3(SYNE2):c.14224G>C (p.Ala4742Pro)

Gene: SYNE2 (spectrin repeat containing nuclear envelope protein 2; plus strand). Cytogenetic location: 14q23.2.
Variant type: single nucleotide variant.
Coding change: c.14224G>C on transcript NM_182914.3 (MANE Select); coding-DNA position 14224, G replaced by C.
Protein change: p.Ala4742Pro; replaces alanine 4742 with proline.
Molecular consequence: missense variant.
Genome position (GRCh38, 1-based): chr14:64,130,132, G>C. VCF-style: chr14-64130132-G-C. GRCh37 (hg19) VCF-style: chr14-64596850-G-C.
Other names: c.14224G>C, p.Ala4742Pro (NM_015180.6); short protein forms A4742P.
Identifiers: ClinVar variation 942287 (VCV000942287.9), dbSNP rs768191476, ClinGen allele CA389979712.

ClinVar aggregate classification (germline): Uncertain significance (1 of 4 stars; one submission).

Conditions:
Emery-Dreifuss muscular dystrophy 5, autosomal dominant (EDMD5). Also called: EMERY-DREIFUSS MUSCULAR DYSTROPHY 5. Identifiers: Orphanet 261, MedGen C2751805, MONDO:0013072, OMIM 612999.

Allele frequency attached by ClinVar (database versions not stated): TOPMed 0.00001.
gnomAD v4.1: 21 of 1,614,076 alleles (0.0013%); highest among the groups gnomAD compares: African/African-American, 0.004%; no homozygotes.

Submission:

Labcorp Genetics (formerly Invitae), Labcorp
Classification: Uncertain significance for Emery-Dreifuss muscular dystrophy 5, autosomal dominant. Last evaluated: 2023-02-08. Review status: criteria provided, single submitter. Criteria: Invitae Variant Classification Sherloc (09022015). Collection method: clinical testing. Allele origin: germline.
Comment: In summary, the available evidence is currently insufficient to determine the role of this variant in disease. Therefore, it has been classified as a Variant of Uncertain Significance. Algorithms developed to predict the effect of missense changes on protein structure and function are either unavailable or do not agree on the potential impact of this missense change (SIFT: "Tolerated"; PolyPhen-2: "Probably Damaging"; Align-GVGD: "Class C0"). ClinVar contains an entry for this variant (Variation ID: 942287). This variant has not been reported in the literature in individuals affected with SYNE2-related conditions. This variant is present in population databases (no rsID available, gnomAD 0.004%). This sequence change replaces alanine, which is neutral and non-polar, with proline, which is neutral and non-polar, at codon 4742 of the SYNE2 protein (p.Ala4742Pro).